The following is an entry in ClinVar:

ClinVar aggregate classification (germline): Uncertain significance (1 of 4 stars; one submission).

gnomAD v4.1: 2 of 1,612,962 alleles (0.00012%); highest among the groups gnomAD compares: Non-Finnish European, 0.00017%; no homozygotes.

Submission:

Labcorp Genetics (formerly Invitae), Labcorp
Classification: Uncertain significance. Last evaluated: 2023-11-27. Review status: criteria provided, single submitter. Criteria: Invitae Variant Classification Sherloc (09022015). Collection method: clinical testing. Allele origin: germline.
Comment: This sequence change replaces threonine, which is neutral and polar, with serine, which is neutral and polar, at codon 170 of the MUT protein (p.Thr170Ser). This variant is not present in population databases (gnomAD no frequency). This variant has not been reported in the literature in individuals affected with MUT-related conditions. Advanced modeling of protein sequence and biophysical properties (such as structural, functional, and spatial information, amino acid conservation, physicochemical variation, residue mobility, and thermodynamic stability) has been performed at Invitae for this missense variant, however the output from this modeling did not meet the statistical confidence thresholds required to predict the impact of this variant on MUT protein function. In summary, the available evidence is currently insufficient to determine the role of this variant in disease. Therefore, it has been classified as a Variant of Uncertain Significance.

NM_000255.4(MMUT):c.509C>G (p.Thr170Ser)

Gene: MMUT (methylmalonyl-CoA mutase; minus strand). Cytogenetic location: 6p12.3.
Variant type: single nucleotide variant.
Coding change: c.509C>G on transcript NM_000255.4 (MANE Select); coding-DNA position 509, C replaced by G.
Protein change: p.Thr170Ser; replaces threonine 170 with serine.
Molecular consequence: missense variant.
Genome position (GRCh38, 1-based): chr6:49,457,935, G>C on the plus strand (C>G on the coding strand, the complement: MMUT is on the minus strand). VCF-style: chr6-49457935-G-C. GRCh37 (hg19) VCF-style: chr6-49425648-G-C.
Other names: short protein forms T170S.
Identifiers: ClinVar variation 2917762 (VCV002917762.1), dbSNP rs2127420023, ClinGen allele CA364404578.